The following is an entry in ClinVar:

ClinVar aggregate classification (germline): Uncertain significance. Review status: criteria provided, multiple submitters, no conflicts (2 of 4 stars). 3 submissions from 3 submitters: Uncertain significance (3). Last evaluated 2024-10-16.

Conditions:
Hypokalemic periodic paralysis, type 1. Also called: Hypokalemic Periodic Paralysis Type 1 (AD); HypoPP. Identifiers: Orphanet 681, MedGen C3714580, MONDO:0042979, OMIM 170400.
Malignant hyperthermia, susceptibility to, 5 (MHS5). Also called: CACNA1S-Related Malignant Hyperthermia Susceptibility. Identifiers: Orphanet 423, MedGen C1866077, MONDO:0011163, OMIM 601887.

Allele frequency attached by ClinVar (database versions not stated): TOPMed 0.00001; ESP Exome Variant Server 0.00008.
gnomAD v4.1: 16 of 1,613,942 alleles (0.00099%); highest among the groups gnomAD compares: Non-Finnish European, 0.0014%; no homozygotes.

Submissions (3):

Labcorp Genetics (formerly Invitae), Labcorp
Classification: Uncertain significance for Hypokalemic periodic paralysis, type 1; Malignant hyperthermia, susceptibility to, 5. Last evaluated: 2024-10-16. Review status: criteria provided, single submitter. Criteria: Invitae Variant Classification Sherloc (09022015). Collection method: clinical testing. Allele origin: germline.
Comment: This sequence change replaces leucine, which is neutral and non-polar, with methionine, which is neutral and non-polar, at codon 1604 of the CACNA1S protein (p.Leu1604Met). This variant is present in population databases (rs144059385, gnomAD 0.003%). This variant has not been reported in the literature in individuals affected with CACNA1S-related conditions. ClinVar contains an entry for this variant (Variation ID: 388777). Invitae Evidence Modeling of protein sequence and biophysical properties (such as structural, functional, and spatial information, amino acid conservation, physicochemical variation, residue mobility, and thermodynamic stability) indicates that this missense variant is not expected to disrupt CACNA1S protein function with a negative predictive value of 95%. In summary, the available evidence is currently insufficient to determine the role of this variant in disease. Therefore, it has been classified as a Variant of Uncertain Significance.

Color Diagnostics, LLC DBA Color Health
Classification: Uncertain significance for Malignant hyperthermia, susceptibility to, 5. Last evaluated: 2024-07-16. Review status: criteria provided, single submitter. Criteria: ACMG Guidelines, 2015. Collection method: clinical testing. Allele origin: germline.
Comment: This missense variant replaces leucine with methionine at codon 1604 of the CACNA1S protein. Computational prediction is inconclusive regarding the impact of this variant on protein structure and function. To our knowledge, functional studies have not been reported for this variant. This variant has not been reported in individuals affected with CACNA1S-related disorders in the literature. This variant has been identified in 3/250386 chromosomes in the general population by the Genome Aggregation Database (gnomAD). The available evidence is insufficient to determine the role of this variant in disease conclusively. Therefore, this variant is classified as a Variant of Uncertain Significance.

GeneDx
Classification: Uncertain significance. Last evaluated: 2016-08-31. Review status: criteria provided, single submitter. Criteria: GeneDx Variant Classification (06012015). Collection method: clinical testing. Allele origin: germline. Affected: yes.
Comment: A variant of uncertain significance has been identified in the CACNA1S gene. The L1604M variant has not been published as a pathogenic variant, nor has it been reported as a benign variant to our knowledge. The L1604M variant was not observed with any significant frequency in approximately 6,500 individuals of European and African American ancestry in the NHLBI Exome Sequencing Project. The L1604M variant is a conservative amino acid substitution, which is not likely to impact secondary protein structure as these residues share similar properties. However, this substitution occurs at a position that is conserved across species. In silico analysis is inconsistent in its predictions as to whether or not the variant is damaging to the protein structure/function. Therefore, based on the currently available information, it is unclear whether this variant is a pathogenic variant or a rare benign variant.

NM_000069.3(CACNA1S):c.4810C>A (p.Leu1604Met)

Gene: CACNA1S (calcium voltage-gated channel subunit alpha1 S; minus strand). Cytogenetic location: 1q32.1.
Variant type: single nucleotide variant.
Coding change: c.4810C>A on transcript NM_000069.3 (MANE Select); coding-DNA position 4810, C replaced by A.
Protein change: p.Leu1604Met; replaces leucine 1604 with methionine.
Molecular consequence: missense variant.
Genome position (GRCh38, 1-based): chr1:201,043,519, G>T on the plus strand (C>A on the coding strand, the complement: CACNA1S is on the minus strand). VCF-style: chr1-201043519-G-T. GRCh37 (hg19) VCF-style: chr1-201012647-G-T.
Other names: short protein forms L1604M.
Identifiers: ClinVar variation 388777 (VCV000388777.5), dbSNP rs144059385, ClinGen allele CA083601.